The following is an entry in ClinVar:

NM_000243.3(MEFV):c.374AGGGGAACG[3] (p.125EGN[3])

Gene: MEFV (MEFV innate immunity regulator, pyrin; minus strand). Cytogenetic location: 16p13.3.
Variant type: Microsatellite.
Coding change: c.374AGGGGAACG[3] on transcript NM_000243.3 (MANE Select); three copies in a row of the 9-base unit AGGGGAACG starting at c.374; the reference has two copies in a row; one copy, 9 bases duplicated; also written c.383_391dup.
Protein change: p.125EGN[3].
Molecular consequence: inframe insertion. On other transcripts: intron variant (1).
Genome position (GRCh38, 1-based): chr16:3,254,677-3,254,685, CGTTCCCCT duplicated on the plus strand (AGGGGAACG on the coding strand, the reverse complement: MEFV is on the minus strand); duplicating any 9 consecutive bases within chr16:3,254,677-3,254,696 gives the same sequence; the position shown is the placement nearest the transcript's 3' end. VCF-style (leftmost placement, unchanged base first): chr16-3254676-C-CCGTTCCCCT. GRCh37 (hg19) VCF-style: chr16-3304676-C-CCGTTCCCCT.
Other names: c.383_391dupAGGGGAACG (NM_000243.3, NM_000243.2); c.383_391dup (NM_000243.3); c.277+1617AGGGGAACG[3] (NM_001198536.2).
Identifiers: ClinVar variation 97521 (VCV000097521.51), dbSNP rs104895121, ClinGen allele CA280598.

ClinVar aggregate classification (germline): Conflicting classifications of pathogenicity. Review status: criteria provided, conflicting classifications (1 of 4 stars). 8 submissions from 8 submitters: Pathogenic (1); Uncertain significance (5). 2 of the submissions do not count toward it. Last evaluated 2025-12-26.

Conditions:
Familial Mediterranean fever (FMF). Also called: POLYSEROSITIS, FAMILIAL PAROXYSMAL; POLYSEROSITIS, RECURRENT; Periodic peritonitis; Benign paroxysmal peritonitis. Identifiers: Orphanet 342, MedGen C0031069, MONDO:0018088, OMIM 249100. Disease mechanism: gain of function.

Submissions (8):

Women's Health and Genetics/Laboratory Corporation of America, LabCorp
Classification: Uncertain significance. Last evaluated: 2025-12-26. Review status: criteria provided, single submitter. Criteria: LabCorp Variant Classification Summary - May 2015. Collection method: clinical testing. Allele origin: germline.
Comment: Variant summary: MEFV c.383_391dupAGGGGAACG (p.Glu128_Asn130dup) results in an in-frame duplication that is predicted to duplicate three amino acids into the encoded protein. The variant allele was found at a frequency of 2.5e-05 in 244292 control chromosomes. The available data on variant occurrences in the general population are insufficient to allow any conclusion about variant significance. To our knowledge, no occurrence of c.383_391dupAGGGGAACG in individuals affected with MEFV-related conditions and no experimental evidence demonstrating its impact on protein function have been reported. ClinVar contains an entry for this variant (Variation ID: 97521). Based on the evidence outlined above, the variant was classified as uncertain significance.

Dasa
Classification: Uncertain significance. Last evaluated: 2025-04-12. Review status: criteria provided, single submitter. Criteria: DASA Assertion Criteria. Collection method: clinical testing. Allele origin: germline.
Comment: NM_000243.3(MEFV):c.383_391dup (p.Glu128_Asn130dup) is an in-frame duplication predicted to duplicate amino acids from glutamic acid at protein position 128 through asparagine at protein position 130 without shifting the reading frame. This variant is rare in population databases. The currently available literature and clinical evidence are not sufficient to establish a definitive association between this variant and the reported condition. Therefore, this variant is classified as a variant of uncertain significance.

Labcorp Genetics (formerly Invitae), Labcorp
Classification: Uncertain significance for Familial Mediterranean fever. Last evaluated: 2022-08-21. Review status: criteria provided, single submitter. Criteria: Invitae Variant Classification Sherloc (09022015). Collection method: clinical testing. Allele origin: germline.
Comment: This variant, c.383_391dup, results in the insertion of 3 amino acid(s) of the MEFV protein (p.Glu128_Asn130dup), but otherwise preserves the integrity of the reading frame. This variant is present in population databases (rs752170064, gnomAD 0.01%). This variant has not been reported in the literature in individuals affected with MEFV-related conditions. ClinVar contains an entry for this variant (Variation ID: 97521). Experimental studies and prediction algorithms are not available or were not evaluated, and the functional significance of this variant is currently unknown. In summary, the available evidence is currently insufficient to determine the role of this variant in disease. Therefore, it has been classified as a Variant of Uncertain Significance.

Mendelics
Classification: Uncertain significance for Familial Mediterranean fever. Last evaluated: 2019-05-28. Review status: criteria provided, single submitter. Criteria: Mendelics Assertion Criteria 2017. Collection method: clinical testing. Allele origin: unknown.

GeneDx
Classification: Uncertain significance. Last evaluated: 2017-12-07. Review status: criteria provided, single submitter. Criteria: GeneDx Variant Classification (06012015). Collection method: clinical testing. Allele origin: germline. Affected: yes.
Comment: The c.383_391dupAGGGGAACG variant has been reported previously in the Infevers database. The variant is observed in 1/9714 (0.01%) alleles from individuals of Ashkenazi Jewish background in large population cohorts (Lek et al., 2016). The variant results in an in-frame duplication of three amino acids that are not conserved across species. In summary, based on the currently available information, it is unclear whether this variant is a pathogenic variant or a rare benign variant.

CeGaT Center for Human Genetics Tuebingen
Classification: Pathogenic. Last evaluated: 2017-05-01. Review status: criteria provided, single submitter. Criteria: CeGaT Center For Human Genetics Tuebingen Variant Classification Criteria Version 2. Collection method: clinical testing. Allele origin: germline. Affected: yes. Observed: 1 variant allele.

Natera, Inc.
Classification: Uncertain significance for Familial Mediterranean fever. Last evaluated: 2020-09-16. Review status: no assertion criteria provided. Collection method: clinical testing. Allele origin: germline. Not counted in ClinVar's aggregate classification.

Unité médicale des maladies autoinflammatoires, CHRU Montpellier
No classification provided. Condition: Familial Mediterranean fever. Review status: no classification provided. Collection method: not provided. Allele origin: unknown. Not counted in ClinVar's aggregate classification.